The following is an entry in ClinVar:

ClinVar aggregate classification (germline): Likely benign (1 of 4 stars; one submission).

gnomAD v4.1: 6 of 1,534,756 alleles (0.00039%); highest among the groups gnomAD compares: East Asian, 0.0023%; no homozygotes.

Submission:

CeGaT Center for Human Genetics Tuebingen
Classification: Likely benign. Last evaluated: 2024-07-01. Review status: criteria provided, single submitter. Criteria: CeGaT Center For Human Genetics Tuebingen Variant Classification Criteria Version 2. Collection method: clinical testing. Allele origin: germline. Affected: yes. Observed: 1 variant allele.
Comment: CPSF1: PM2:Supporting, BP4, BP7

NM_013291.3(CPSF1):c.2262C>T (p.Leu754=)

Gene: CPSF1 (cleavage and polyadenylation specific factor 1; minus strand). Cytogenetic location: 8q24.3.
Variant type: single nucleotide variant.
Coding change: c.2262C>T on transcript NM_013291.3 (MANE Select); coding-DNA position 2262, C replaced by T.
Protein change: p.Leu754=; no amino-acid change (leucine 754 retained).
Molecular consequence: synonymous variant.
Genome position (GRCh38, 1-based): chr8:144,397,610, G>A on the plus strand (C>T on the coding strand, the complement: CPSF1 is on the minus strand). VCF-style: chr8-144397610-G-A. GRCh37 (hg19) VCF-style: chr8-145622825-G-A.
Identifiers: ClinVar variation 3341747 (VCV003341747.16).